The following is an entry in ClinVar:

ClinVar aggregate classification (germline): Uncertain significance. Review status: criteria provided, multiple submitters, no conflicts (2 of 4 stars). 6 submissions from 6 submitters: Uncertain significance (5). 1 of the submissions does not count toward it. Last evaluated 2025-06-20.

Conditions:
Polycystic kidney disease, adult type (PKD1). Also called: POLYCYSTIC KIDNEY DISEASE, ADULT, TYPE I; Polycystic Kidney, Autosomal Dominant; POLYCYSTIC KIDNEY DISEASE 1 WITH OR WITHOUT POLYCYSTIC LIVER DISEASE; Polycystic Kidney Disease 1, Autosomal Dominant; Polycystic kidney disease 1; Polycystic kidney disease 1, severe. Identifiers: MedGen C3149841, MONDO:0008263, OMIM 173900.
Autosomal dominant polycystic kidney disease. Identifiers: Orphanet 730, MedGen C0085413, MONDO:0004691.
Polycystic kidney disease. Also called: Polycystic kidney dysplasia; Kidney, Polycystic. Identifiers: MedGen C0022680, MeSH D007690, MONDO:0020642, HP:0000113.

Allele frequency attached by ClinVar (database versions not stated): gnomAD 0.00001.

Submissions (6):

Women's Health and Genetics/Laboratory Corporation of America, LabCorp
Classification: Uncertain significance. Last evaluated: 2025-06-20. Review status: criteria provided, single submitter. Criteria: LabCorp Variant Classification Summary - May 2015. Collection method: clinical testing. Allele origin: germline.
Comment: Variant summary: PKD1 c.8279T>C (p.Met2760Thr) results in a non-conservative amino acid change in the encoded protein sequence. Algorithms developed to predict the effect of missense changes on protein structure and function are either unavailable or do not agree on the potential impact of this missense change. The frequency data for this variant in gnomAD is considered unreliable, as metrics indicate poor data quality at this position. c.8279T>C has been observed in individuals affected with Polycystic Kidney Disease or Polycystic Liver Disease without strong evidence of causality (e.g., Watnick_1997, Sierks_2022). These reports do not provide unequivocal conclusions about association of the variant with PKD1-Biallelic Autosomal Recessive Polycystic Kidney Disease. To our knowledge, no experimental evidence demonstrating an impact on protein function has been reported. The following publications have been ascertained in the context of this evaluation (PMID: 9285784, 36246085). ClinVar contains an entry for this variant (Variation ID: 976839). Based on the evidence outlined above, the variant was classified as uncertain significance.

Blueprint Genetics
Classification: Uncertain significance. Last evaluated: 2024-03-06. Review status: criteria provided, single submitter. Criteria: ACMG Guidelines, 2015. Collection method: clinical testing. Allele origin: germline.

Fulgent Genetics
Classification: Uncertain significance for Polycystic kidney disease, adult type. Last evaluated: 2022-02-10. Review status: criteria provided, single submitter. Criteria: ACMG Guidelines, 2015. Collection method: clinical testing. Allele origin: unknown.

Victorian Clinical Genetics Services, Murdoch Childrens Research Institute
Classification: Uncertain significance for Polycystic kidney disease, adult type. Last evaluated: 2020-05-21. Review status: criteria provided, single submitter. Criteria: ACMG Guidelines, 2015. Collection method: clinical testing. Allele origin: germline. Inheritance: Autosomal dominant inheritance. Affected: yes.
Comment: A heterozygous missense variant was identified, NM_001009944.2(PKD1):c.8279T>C in exon 23 of the PKD1 gene. This substitution is predicted to create a moderate amino acid change from a methionine to a threonine at position 2760 of the protein; NP_001009944.2(PKD1):p.(Met2760Thr). The methionine at this position has low conservation (100 vertebrates, UCSC), and is not situated in a known functional domain (NCBI, PDB). In silico software predictions of the pathogenicity of this variant are conflicting (PolyPhen2, PROVEAN, MutationAssessor, FATHMM). The variant is not present in the gnomAD population database. This variant has been previously reported in individuals who also carries multiple other PKD1 variants including p.Met2764Thr (Watnick, T.J. et al. (1997); Symmons, O. et al. (2008)). Authors suggest this might be due to a gene conversion event (Symmons, O. et al. (2008); Araç, D. et al. (2012)) and that it is hard to establish pathogenicity without further evidence (Watnick, T.J. et al. (1997)). Two different variants in the same codon resulting in changes to arginine and lysine have been classified as likely pathogenic (LOVD; Jin, M. et al. (2016)). Based on information available at the time of curation, this variant has been classified as a VUS with POTENTIAL CLINICAL RELEVANCE CLINICAL RELEVANCE.

Molecular Genetics of Inherited Kidney Disorders Laboratory, Garvan Institute of Medical Research
Classification: Uncertain significance for Autosomal dominant polycystic kidney disease. Last evaluated: 2019-01-01. Review status: criteria provided, single submitter. Criteria: ACMG Guidelines, 2015. Collection method: research. Allele origin: germline. Affected: yes.

Department of Pathology and Laboratory Medicine, Sinai Health System
Classification: Uncertain significance for Polycystic Kidney disease. Review status: no assertion criteria provided. Collection method: clinical testing. Allele origin: unknown. Affected: yes. Study: The Canadian Open Genetics Repository (COGR). Not counted in ClinVar's aggregate classification.
Comment: The PKD1 p.Met2760Thr variant was identified in 2 of 160 proband chromosomes (frequency: 0.01) from individuals or families with ADPKD and was not identified in 100 control chromosomes from healthy individuals; both affected individuals also carried the PKD1 variants c.8282G>C, p.Arg2761Pro and c.8291T>C, p.Met2764Thr (Watnick 1997). The variant was also identified in LOVD 3.0 database 2X with no classification given. The variant was not identified in dbSNP, ClinVar, COGR, ADPKD Mutation Database, PKD1-LOVD, databases. The variant was not identified in the 1000 Genomes Project, the NHLBI GO Exome Sequencing Project or the Exome Aggregation Consortium (August 8th 2016) control databases. The p.Met2760Thr residue is conserved in in mammals but not in more distantly related organisms and computational analyses (PolyPhen-2, SIFT, AlignGVGD, BLOSUM, MutationTaster) suggest that the variant may impact the protein; however, this information is not predictive enough to assume pathogenicity. The variant occurs outside of the splicing consensus sequence and in-silico or computational prediction software programs (SpliceSiteFinder, MaxEntScan, NNSPLICE, GeneSplicer, HumanSpliceFinder) do not predict a difference in splicing. In summary, based on the above information the clinical significance of this variant cannot be determined with certainty at this time. This variant is classified as a variant of uncertain significance.

Literature cited by the submitters: PubMed 9285784 (cited by Women's Health and Genetics/Laboratory Corporation of America, LabCorp and Victorian Clinical Genetics Services, Murdoch Childrens Research Institute); PubMed 36246085 (cited by Women's Health and Genetics/Laboratory Corporation of America, LabCorp); PubMed 18791038 (cited by Victorian Clinical Genetics Services, Murdoch Childrens Research Institute); PubMed 22333914 (cited by Victorian Clinical Genetics Services, Murdoch Childrens Research Institute); PubMed 27782177 (cited by Victorian Clinical Genetics Services, Murdoch Childrens Research Institute).

NM_001009944.3(PKD1):c.8279T>C (p.Met2760Thr)

Gene: PKD1 (polycystin 1, transient receptor potential channel interacting; minus strand). Cytogenetic location: 16p13.3.
Variant type: single nucleotide variant.
Coding change: c.8279T>C on transcript NM_001009944.3 (MANE Select); coding-DNA position 8279, T replaced by C.
Protein change: p.Met2760Thr; replaces methionine 2760 with threonine.
Molecular consequence: missense variant.
Genome position (GRCh38, 1-based): chr16:2,103,778, A>G on the plus strand (T>C on the coding strand, the complement: PKD1 is on the minus strand). VCF-style: chr16-2103778-A-G. GRCh37 (hg19) VCF-style: chr16-2153779-A-G.
Other names: c.8279T>C, p.Met2760Thr (NM_000296.4); short protein forms M2760T.
Identifiers: ClinVar variation 976839 (VCV000976839.6), dbSNP rs879809222, ClinGen allele CA276777208.